The following is an entry in ClinVar:

NM_001004434.3(SLC30A2):c.652C>T (p.Arg218Ter)

Gene: SLC30A2 (solute carrier family 30 member 2; minus strand). Cytogenetic location: 1p36.11.
Variant type: single nucleotide variant.
Coding change: c.652C>T on transcript NM_001004434.3 (MANE Select); coding-DNA position 652, C replaced by T.
Protein change: p.Arg218Ter; replaces arginine 218 with a stop codon.
Molecular consequence: nonsense.
Genome position (GRCh38, 1-based): chr1:26,042,629, G>A on the plus strand (C>T on the coding strand, the complement: SLC30A2 is on the minus strand). VCF-style: chr1-26042629-G-A. GRCh37 (hg19) VCF-style: chr1-26369120-G-A.
Other names: c.505C>T, p.Arg169Ter (NM_032513.5); short protein forms R169*, R218*.
Identifiers: ClinVar variation 3340912 (VCV003340912.1).

ClinVar aggregate classification (germline): Pathogenic (1 of 4 stars; one submission).

Submission:

GeneDx
Classification: Pathogenic. Last evaluated: 2024-03-21. Review status: criteria provided, single submitter. Criteria: GeneDx Variant Classification Process June 2021. Collection method: clinical testing. Allele origin: germline. Affected: yes.
Comment: Nonsense variant predicted to result in protein truncation or nonsense mediated decay in a gene for which loss of function is a known mechanism of disease; Not observed at significant frequency in large population cohorts (gnomAD); This variant is associated with the following publications: (PMID: 26912464, 28665435)